The following is an entry in ClinVar:

ClinVar aggregate classification (germline): Uncertain significance (1 of 4 stars; one submission).

Allele frequency attached by ClinVar (database versions not stated): gnomAD exomes below 0.00001.

Submission:

Labcorp Genetics (formerly Invitae), Labcorp
Classification: Uncertain significance. Last evaluated: 2024-12-30. Review status: criteria provided, single submitter. Criteria: Invitae Variant Classification Sherloc (09022015). Collection method: clinical testing. Allele origin: germline.
Comment: This sequence change replaces alanine, which is neutral and non-polar, with glycine, which is neutral and non-polar, at codon 652 of the COL9A3 protein (p.Ala652Gly). This variant is present in population databases (no rsID available, gnomAD 0.0009%). This variant has not been reported in the literature in individuals affected with COL9A3-related conditions. ClinVar contains an entry for this variant (Variation ID: 1402002). Invitae Evidence Modeling of protein sequence and biophysical properties (such as structural, functional, and spatial information, amino acid conservation, physicochemical variation, residue mobility, and thermodynamic stability) indicates that this missense variant is not expected to disrupt COL9A3 protein function with a negative predictive value of 95%. In summary, the available evidence is currently insufficient to determine the role of this variant in disease. Therefore, it has been classified as a Variant of Uncertain Significance.

NM_001853.4(COL9A3):c.1955C>G (p.Ala652Gly)

Gene: COL9A3 (collagen type IX alpha 3 chain; plus strand). Cytogenetic location: 20q13.33.
Variant type: single nucleotide variant.
Coding change: c.1955C>G on transcript NM_001853.4 (MANE Select); coding-DNA position 1955, C replaced by G.
Protein change: p.Ala652Gly; replaces alanine 652 with glycine.
Molecular consequence: missense variant.
Genome position (GRCh38, 1-based): chr20:62,840,632, C>G. VCF-style: chr20-62840632-C-G. GRCh37 (hg19) VCF-style: chr20-61471984-C-G.
Other names: short protein forms A652G.
Identifiers: ClinVar variation 1402002 (VCV001402002.8), dbSNP rs1274796070, ClinGen allele CA409601562.